The following is an entry in ClinVar:

NM_024757.5(EHMT1):c.737G>C (p.Arg246Pro)

Gene: EHMT1 (euchromatic histone lysine methyltransferase 1; plus strand). Cytogenetic location: 9q34.3.
Variant type: single nucleotide variant.
Coding change: c.737G>C on transcript NM_024757.5 (MANE Select); coding-DNA position 737, G replaced by C.
Protein change: p.Arg246Pro; replaces arginine 246 with proline.
Molecular consequence: missense variant.
Genome position (GRCh38, 1-based): chr9:137,728,443, G>C. VCF-style: chr9-137728443-G-C. GRCh37 (hg19) VCF-style: chr9-140622895-G-C.
Other names: c.737G>C, p.Arg246Pro (NM_001145527.2, NM_001354263.2, NM_001354611.2); c.644G>C, p.Arg215Pro (NM_001354259.2, NM_001354612.2); short protein forms R246P, R215P.
Identifiers: ClinVar variation 650796 (VCV000650796.11), dbSNP rs144871446, ClinGen allele CA5374399.
Genomic context (GRCh38, chr9:137,728,443, plus strand): 5'-AAGCTAGAGATCATAAGGAACCAAAAGAGGAGATCAACAAAAACATTTCTGACTTTGGAC[G>C]ACAGCAGCTTTTACCCCCCTTCCCATCCCTTCATCAGTCGCTACCTCAGAACCAGTGCTA-3'
Protein context (NP_079033.4, residues 236-256): EINKNISDFG[Arg246Pro]QQLLPPFPSL

ClinVar aggregate classification (germline): Uncertain significance (1 of 4 stars; one submission).

Conditions:
Kleefstra syndrome 1 (KLEFS1). Identifiers: Orphanet 261494, MedGen C0795833, MONDO:0027407, OMIM 610253.

Allele frequency attached by ClinVar (database versions not stated): TOPMed 0.00001.
gnomAD v4.1: 20 of 1,614,028 alleles (0.0012%); highest among the groups gnomAD compares: Non-Finnish European, 0.0017%; no homozygotes.

Submission:

Labcorp Genetics (formerly Invitae), Labcorp
Classification: Uncertain significance for Kleefstra syndrome 1. Last evaluated: 2025-03-30. Review status: criteria provided, single submitter. Criteria: Invitae Variant Classification Sherloc (09022015). Collection method: clinical testing. Allele origin: germline.
Comment: This sequence change replaces arginine, which is basic and polar, with proline, which is neutral and non-polar, at codon 246 of the EHMT1 protein (p.Arg246Pro). This variant is present in population databases (rs144871446, gnomAD 0.003%). This variant has not been reported in the literature in individuals affected with EHMT1-related conditions. ClinVar contains an entry for this variant (Variation ID: 650796). Invitae Evidence Modeling of protein sequence and biophysical properties (such as structural, functional, and spatial information, amino acid conservation, physicochemical variation, residue mobility, and thermodynamic stability) indicates that this missense variant is not expected to disrupt EHMT1 protein function with a negative predictive value of 80%. In summary, the available evidence is currently insufficient to determine the role of this variant in disease. Therefore, it has been classified as a Variant of Uncertain Significance.